The following is an entry in ClinVar:

NM_000098.3(CPT2):c.341-16dup

Gene: CPT2 (carnitine palmitoyltransferase 2; plus strand). Cytogenetic location: 1p32.3.
Variant type: Duplication.
Coding change: c.341-16dup on transcript NM_000098.3 (MANE Select); 16 bases into the intron before coding-DNA position 341, one base duplicated (T; older notation c.341-16dupT).
Molecular consequence: intron variant.
Genome position (GRCh38, 1-based): chr1:53,209,999, T duplicated; the last of 7 consecutive T bases (chr1:53,209,993-53,209,999); duplicating any one gives the same sequence. VCF-style (leftmost placement, unchanged base first): chr1-53209992-A-AT. GRCh37 (hg19) VCF-style: chr1-53675664-A-AT.
Other names: c.341-16dup (NM_001330589.2); c.341-16dupT (NM_000098.2).
Identifiers: ClinVar variation 420281 (VCV000420281.1), dbSNP rs749177082, ClinGen allele CA858961.
Genomic context (GRCh38, chr1:53,209,992, plus strand): 5'-GCTTGAATTTTTTTTCTTCTTCAAATTTTATTTTTAGGGACAGCATTAACATTTTATGTT[A>AT]TTTTTTTCTTTTTATTTTTTAGGACCCTGGTTTGATATGTACCTATCTGCTCGAGACTCC-3'

ClinVar aggregate classification (germline): Likely benign (1 of 4 stars; one submission).

Submission:

GeneDx
Classification: Likely benign. Last evaluated: 2017-05-16. Review status: criteria provided, single submitter. Criteria: GeneDx Variant Classification (06012015). Collection method: clinical testing. Allele origin: germline. Affected: yes.
Comment: This variant is considered likely benign or benign based on one or more of the following criteria: it is a conservative change, it occurs at a poorly conserved position in the protein, it is predicted to be benign by multiple in silico algorithms, and/or has population frequency not consistent with disease.